The following is an entry in ClinVar:

ClinVar aggregate classification (germline): Benign (1 of 4 stars; one submission).

Conditions:
Mucopolysaccharidosis, MPS-III-C (MPS3C). Also called: MUCOPOLYSACCHARIDOSIS, TYPE IIIC; Mucopolysaccharidosis type IIIC (Sanfilippo C); MPS IIIC (Sanfilippo Syndrome Type C); SANFILIPPO SYNDROME C; mucopolysaccharidosis type 3C; MPS III C. Identifiers: Orphanet 581, Orphanet 79271, MedGen C0086649, MONDO:0009657, OMIM 252930.

Allele frequency attached by ClinVar (database versions not stated): TOPMed 0.02670; 1000 Genomes Project 0.02855; gnomAD 0.02360 and 0.02497; 1000 Genomes Project 30x 0.02920.

Submission:

Illumina Laboratory Services, Illumina
Classification: Benign for Mucopolysaccharidosis, MPS-III-C. Last evaluated: 2018-01-12. Review status: criteria provided, single submitter. Criteria: ICSL Variant Classification Criteria 13 December 2019. Collection method: clinical testing. Allele origin: germline.
Comment: This variant was observed in the ICSL laboratory as part of a predisposition screen in an ostensibly healthy population. It had not been previously curated by ICSL or reported in the Human Gene Mutation Database (HGMD: prior to June 1st, 2018), and was therefore a candidate for classification through an automated scoring system. Utilizing variant allele frequency, disease prevalence and penetrance estimates, and inheritance mode, an automated score was calculated to assess if this variant is too frequent to cause the disease. Based on the score and internal cut-off values, a variant classified as benign is not then subjected to further curation. The score for this variant resulted in a classification of benign for this disease.

NM_152419.3(HGSNAT):c.*585T>C

Gene: HGSNAT (heparan-alpha-glucosaminide N-acetyltransferase; plus strand). Cytogenetic location: 8p11.1.
Variant type: single nucleotide variant.
Coding change: c.*585T>C on transcript NM_152419.3 (MANE Select); 585 bases downstream of the stop codon, T replaced by C.
Molecular consequence: 3 prime UTR variant.
Genome position (GRCh38, 1-based): chr8:43,200,154, T>C. VCF-style: chr8-43200154-T-C. GRCh37 (hg19) VCF-style: chr8-43055297-T-C.
Other names: c.*585T>C (NM_001363227.2, NM_001363228.2, NM_001363229.2).
Identifiers: ClinVar variation 363158 (VCV000363158.5), dbSNP rs73675470, ClinGen allele CA10625517.
Genomic context (GRCh38, chr8:43,200,154, plus strand): 5'-TTTCTTTTCAGATATGCAAGGCTTTGGTGGGTCCAAAAAATGTCTATCACAAGCCATTTT[T>C]TCCTTTTCCTCTCTCGAAAAGTTAAAATATCTATGTGTTATTCCCAAACCCTCTTACCTA-3'